The following is an entry in ClinVar:

ClinVar aggregate classification (germline): Pathogenic (1 of 4 stars; one submission).

Submission:

Labcorp Genetics (formerly Invitae), Labcorp
Classification: Pathogenic. Last evaluated: 2023-09-25. Review status: criteria provided, single submitter. Criteria: Invitae Variant Classification Sherloc (09022015). Collection method: clinical testing. Allele origin: germline.
Comment: For these reasons, this variant has been classified as Pathogenic. This variant has not been reported in the literature in individuals affected with EPHB4-related conditions. This variant is not present in population databases (gnomAD no frequency). This sequence change creates a premature translational stop signal (p.Glu363Glyfs*18) in the EPHB4 gene. It is expected to result in an absent or disrupted protein product. Loss-of-function variants in EPHB4 are known to be pathogenic (PMID: 28687708).

Literature cited by the submitters: PubMed 28687708.

NM_004444.5(EPHB4):c.1087dup (p.Glu363fs)

Gene: EPHB4 (EPH receptor B4; minus strand). Cytogenetic location: 7q22.1.
Variant type: Duplication.
Coding change: c.1087dup on transcript NM_004444.5 (MANE Select); coding-DNA position 1087, one base duplicated (G; older notation c.1087dupG).
Protein change: p.Glu363fs; shifts the reading frame from glutamic acid 363.
Molecular consequence: frameshift variant.
Genome position (GRCh38, 1-based): chr7:100,819,767, C duplicated on the plus strand (G on the coding strand, the reverse complement: EPHB4 is on the minus strand); the first of 3 consecutive C bases (chr7:100,819,767-100,819,769); duplicating any one gives the same sequence. VCF-style (leftmost placement, unchanged base first): chr7-100819766-T-TC. GRCh37 (hg19) VCF-style: chr7-100417388-T-TC.
Other names: short protein forms E363fs.
Identifiers: ClinVar variation 2861150 (VCV002861150.3), dbSNP rs2485036149, ClinGen allele CA2739278716.